The following is an entry in ClinVar:

ClinVar aggregate classification (germline): Uncertain significance (1 of 4 stars; one submission).

Conditions:
Niemann-Pick disease, type B. Also called: Chronic Visceral ASMD (Niemann-Pick Disease Type B; NPD-B). Identifiers: Orphanet 77293, MedGen C0268243, MONDO:0011871, OMIM 607616. Disease mechanism: loss of function.
Niemann-Pick disease, type A. Also called: Infantile Neurovisceral ASMD (Niemann-Pick Disease Type A; NPD-A); SPHINGOMYELIN LIPIDOSIS; SPHINGOMYELINASE DEFICIENCY. Identifiers: Orphanet 77292, MedGen C0268242, MONDO:0009756, OMIM 257200. Disease mechanism: loss of function.

Submission:

Labcorp Genetics (formerly Invitae), Labcorp
Classification: Uncertain significance for Niemann-Pick disease, type B; Niemann-Pick disease, type A. Last evaluated: 2024-09-30. Review status: criteria provided, single submitter. Criteria: Invitae Variant Classification Sherloc (09022015). Collection method: clinical testing. Allele origin: germline.
Comment: This sequence change replaces aspartic acid, which is acidic and polar, with asparagine, which is neutral and polar, at codon 503 of the SMPD1 protein (p.Asp503Asn). This variant is not present in population databases (gnomAD no frequency). This variant has not been reported in the literature in individuals affected with SMPD1-related conditions. Invitae Evidence Modeling of protein sequence and biophysical properties (such as structural, functional, and spatial information, amino acid conservation, physicochemical variation, residue mobility, and thermodynamic stability) indicates that this missense variant is expected to disrupt SMPD1 protein function with a positive predictive value of 95%. In summary, the available evidence is currently insufficient to determine the role of this variant in disease. Therefore, it has been classified as a Variant of Uncertain Significance.

NM_000543.5(SMPD1):c.1507G>A (p.Asp503Asn)

Gene: SMPD1 (sphingomyelin phosphodiesterase 1; plus strand). Cytogenetic location: 11p15.4.
Variant type: single nucleotide variant.
Coding change: c.1507G>A on transcript NM_000543.5 (MANE Select); coding-DNA position 1507, G replaced by A.
Protein change: p.Asp503Asn; replaces aspartic acid 503 with asparagine.
Molecular consequence: missense variant. On other transcripts: synonymous variant (1), non-coding transcript variant (2).
Genome position (GRCh38, 1-based): chr11:6,394,218, G>A. VCF-style: chr11-6394218-G-A. GRCh37 (hg19) VCF-style: chr11-6415448-G-A.
Other names: c.1504G>A, p.Asp502Asn (NM_001007593.3); c.1527G>A, p.Ter509= (NM_001318087.2); c.586G>A, p.Asp196Asn (NM_001318088.2); c.1375G>A, p.Asp459Asn (NM_001365135.2); short protein forms D196N, D459N, D502N, D503N.
Identifiers: ClinVar variation 3754297 (VCV003754297.2).